The following is an entry in ClinVar:

NM_015409.5(EP400):c.7905C>T (p.Pro2635=)

Gene: EP400 (E1A binding protein p400; plus strand). Cytogenetic location: 12q24.33.
Variant type: single nucleotide variant.
Coding change: c.7905C>T on transcript NM_015409.5 (MANE Select); coding-DNA position 7905, C replaced by T.
Protein change: p.Pro2635=; no amino-acid change (proline 2635 retained).
Molecular consequence: synonymous variant.
Genome position (GRCh38, 1-based): chr12:132,062,130, C>T. VCF-style: chr12-132062130-C-T. GRCh37 (hg19) VCF-style: chr12-132546675-C-T.
Identifiers: ClinVar variation 713366 (VCV000713366.29), dbSNP rs143376217, ClinGen allele CA6886922.

ClinVar aggregate classification (germline): Benign/Likely benign. Review status: criteria provided, multiple submitters, no conflicts (2 of 4 stars). 3 submissions from 3 submitters: Benign (2); Likely benign (1). Last evaluated 2022-04-01.

Allele frequency attached by ClinVar (database versions not stated): gnomAD 0.00286 and 0.00287; ESP Exome Variant Server 0.00315; TOPMed 0.00319; gnomAD exomes 0.00326 and 0.00333; ExAC 0.00371; 1000 Genomes Project 30x 0.00453; 1000 Genomes Project 0.00479.
gnomAD v4.1: 5,310 of 1,613,368 alleles (0.33%); highest among the groups gnomAD compares: South Asian, 0.95%; 29 homozygotes.

Submissions (3):

CeGaT Center for Human Genetics Tuebingen
Classification: Likely benign. Last evaluated: 2022-04-01. Review status: criteria provided, single submitter. Criteria: CeGaT Center For Human Genetics Tuebingen Variant Classification Criteria Version 2. Collection method: clinical testing. Allele origin: germline. Affected: yes. Observed: 1 variant allele.
Comment: EP400: BP4, BP7

Labcorp Genetics (formerly Invitae), Labcorp
Classification: Benign. Last evaluated: 2019-12-31. Review status: criteria provided, single submitter. Criteria: Invitae Variant Classification Sherloc (09022015). Collection method: clinical testing. Allele origin: germline.

Breakthrough Genomics
Classification: Benign. Review status: criteria provided, single submitter. Criteria: ACMG Guidelines, 2015. Collection method: not provided. Allele origin: germline. Inheritance: Unknown mechanism. Affected: yes.